The following is an entry in ClinVar:

NM_000051.4(ATM):c.6270C>A (p.Asp2090Glu)

Genes: ATM (ATM serine/threonine kinase; plus strand), C11orf65 (chromosome 11 open reading frame 65; minus strand). Cytogenetic location: 11q22.3.
Variant type: single nucleotide variant.
Coding change: c.6270C>A on transcript NM_000051.4 (MANE Select); coding-DNA position 6270, C replaced by A.
Protein change: p.Asp2090Glu; replaces aspartic acid 2090 with glutamic acid.
Molecular consequence: missense variant. On other transcripts: intron variant (2).
Genome position (GRCh38, 1-based): chr11:108,317,444, C>A. VCF-style: chr11-108317444-C-A. GRCh37 (hg19) VCF-style: chr11-108188171-C-A.
Other names: c.6270C>A, p.Asp2090Glu (NM_001351834.2); c.641-8373G>T (NM_001330368.2); c.*39-8373G>T (NM_001351110.2); short protein forms D2090E.
Identifiers: ClinVar variation 630059 (VCV000630059.6), dbSNP rs1565503097, ClinGen allele CA382551940.

ClinVar aggregate classification (germline): Uncertain significance (1 of 4 stars; one submission).

Conditions:
Hereditary cancer-predisposing syndrome. Also called: Tumor predisposition; Hereditary neoplastic syndrome; Neoplastic Syndromes, Hereditary; Hereditary Cancer Syndrome. Identifiers: Orphanet 140162, MedGen C0027672, MeSH D009386, MONDO:0015356.

Submission:

Color Diagnostics, LLC DBA Color Health
Classification: Uncertain significance for Hereditary cancer-predisposing syndrome. Last evaluated: 2023-12-05. Review status: criteria provided, single submitter. Criteria: ACMG Guidelines, 2015. Collection method: clinical testing. Allele origin: germline.
Comment: This missense variant replaces aspartic acid with glutamic acid at codon 2090 of the ATM protein. Computational prediction suggests that this variant may not impact protein structure and function (internally defined REVEL score threshold <= 0.5, PMID: 27666373). To our knowledge, functional studies have not been reported for this variant. This variant has not been reported in individuals affected with ATM-related disorders in the literature. This variant has not been identified in the general population by the Genome Aggregation Database (gnomAD). The available evidence is insufficient to determine the role of this variant in disease conclusively. Therefore, this variant is classified as a Variant of Uncertain Significance.